The following is an entry in ClinVar:

ClinVar aggregate classification (germline): Uncertain significance. Review status: criteria provided, multiple submitters, no conflicts (2 of 4 stars). 6 submissions from 6 submitters: Uncertain significance (6). Last evaluated 2024-07-30.

Conditions:
Mismatch repair cancer syndrome 3. Identifiers: MedGen C5436807, MONDO:0030841, OMIM 619097.
Lynch syndrome 5 (LYNCH5). Also called: Colorectal cancer, hereditary nonpolyposis, type 5; Hereditary non-polyposis colorectal cancer, type 5. Identifiers: Orphanet 144, MedGen C1833477, MONDO:0013710, OMIM 614350. Disease mechanism: loss of function.
Endometrial carcinoma. Also called: Endometrial carcinoma, somatic. Identifiers: MedGen C0476089, MONDO:0002447, OMIM 608089, HP:0012114.
Hereditary nonpolyposis colorectal neoplasms. Identifiers: MedGen C0009405, MeSH D003123.
Hereditary cancer-predisposing syndrome. Also called: Neoplastic Syndromes, Hereditary; Hereditary Cancer Syndrome; Tumor predisposition; Hereditary neoplastic syndrome. Identifiers: Orphanet 140162, MedGen C0027672, MeSH D009386, MONDO:0015356.

Allele frequency attached by ClinVar (database versions not stated): TOPMed below 0.00001; gnomAD 0.00001.
gnomAD v4.1: 3 of 1,612,008 alleles (0.00019%); highest among the groups gnomAD compares: Non-Finnish European, 0.000085%; no homozygotes.

Submissions (6):

Labcorp Genetics (formerly Invitae), Labcorp
Classification: Uncertain significance for Hereditary nonpolyposis colorectal neoplasms. Last evaluated: 2024-07-30. Review status: criteria provided, single submitter. Criteria: Invitae Variant Classification Sherloc (09022015). Collection method: clinical testing. Allele origin: germline.
Comment: This sequence change replaces serine, which is neutral and polar, with alanine, which is neutral and non-polar, at codon 14 of the MSH6 protein (p.Ser14Ala). This variant is not present in population databases (gnomAD no frequency). This variant has not been reported in the literature in individuals affected with MSH6-related conditions. ClinVar contains an entry for this variant (Variation ID: 233451). Advanced modeling of protein sequence and biophysical properties (such as structural, functional, and spatial information, amino acid conservation, physicochemical variation, residue mobility, and thermodynamic stability) performed at Invitae indicates that this missense variant is not expected to disrupt MSH6 protein function with a negative predictive value of 95%. In summary, the available evidence is currently insufficient to determine the role of this variant in disease. Therefore, it has been classified as a Variant of Uncertain Significance.

Baylor Genetics
Classification: Uncertain significance for Endometrial carcinoma. Last evaluated: 2024-03-21. Review status: criteria provided, single submitter. Criteria: ACMG Guidelines, 2015. Collection method: clinical testing. Allele origin: unknown.

Fulgent Genetics
Classification: Uncertain significance for Endometrial carcinoma; Lynch syndrome 5; Mismatch repair cancer syndrome 3. Last evaluated: 2024-02-29. Review status: criteria provided, single submitter. Criteria: ACMG Guidelines, 2015. Collection method: clinical testing. Allele origin: germline.

CeGaT Center for Human Genetics Tuebingen
Classification: Uncertain significance. Last evaluated: 2023-03-01. Review status: criteria provided, single submitter. Criteria: CeGaT Center For Human Genetics Tuebingen Variant Classification Criteria Version 2. Collection method: clinical testing. Allele origin: germline. Affected: yes. Observed: 1 variant allele.
Comment: MSH6: PM2, BP1

Ambry Genetics
Classification: Uncertain significance for Hereditary cancer-predisposing syndrome. Last evaluated: 2022-08-19. Review status: criteria provided, single submitter. Criteria: Ambry Variant Classification Scheme 2023. Collection method: clinical testing. Allele origin: germline.
Comment: The p.S14A variant (also known as c.40T>G), located in coding exon 1 of the MSH6 gene, results from a T to G substitution at nucleotide position 40. The serine at codon 14 is replaced by alanine, an amino acid with similar properties. This amino acid position is well conserved in available vertebrate species. In addition, this alteration is predicted to be tolerated by in silico analysis. Since supporting evidence is limited at this time, the clinical significance of this alteration remains unclear.

Color Diagnostics, LLC DBA Color Health
Classification: Uncertain significance for Hereditary cancer-predisposing syndrome. Last evaluated: 2019-09-24. Review status: criteria provided, single submitter. Criteria: ACMG Guidelines, 2015. Collection method: clinical testing. Allele origin: germline.
Comment: This missense variant replaces serine with alanine at codon 14 of the MSH6 protein. Computational prediction tools and conservation analyses suggest that this variant may not impact protein structure and function. Splice site prediction tools suggest that this variant may not impact RNA splicing. To our knowledge, functional studies have not been performed for this variant. This variant has not been reported in individuals affected with hereditary cancer in the literature. This variant has not been identified in the general population by the Genome Aggregation Database (gnomAD). The available evidence is insufficient to determine the role of this variant in disease conclusively. Therefore, this variant is classified as a Variant of Uncertain Significance.

NM_000179.3(MSH6):c.40T>G (p.Ser14Ala)

Gene: MSH6 (mutS homolog 6; plus strand). Cytogenetic location: 2p16.3.
Variant type: single nucleotide variant.
Coding change: c.40T>G on transcript NM_000179.3 (MANE Select); coding-DNA position 40, T replaced by G.
Protein change: p.Ser14Ala; replaces serine 14 with alanine.
Molecular consequence: missense variant. On other transcripts: 5 prime UTR variant (1).
Genome position (GRCh38, 1-based): chr2:47,783,273, T>G. VCF-style: chr2-47783273-T-G. GRCh37 (hg19) VCF-style: chr2-48010412-T-G.
Other names: c.40T>G, p.Ser14Ala (NM_001281492.2); c.-697T>G (NM_001281493.2); short protein forms S14A.
Identifiers: ClinVar variation 233451 (VCV000233451.47), dbSNP rs876660417, ClinGen allele CA10578020.